The following is an entry in ClinVar:

NM_002439.5(MSH3):c.1168A>G (p.Ile390Val)

Gene: MSH3 (mutS homolog 3; plus strand). Cytogenetic location: 5q14.1.
Variant type: single nucleotide variant.
Coding change: c.1168A>G on transcript NM_002439.5 (MANE Select); coding-DNA position 1168, A replaced by G.
Protein change: p.Ile390Val; replaces isoleucine 390 with valine.
Molecular consequence: missense variant.
Genome position (GRCh38, 1-based): chr5:80,675,123, A>G. VCF-style: chr5-80675123-A-G. GRCh37 (hg19) VCF-style: chr5-79970942-A-G.
Other names: short protein forms I390V.
Identifiers: ClinVar variation 1738665 (VCV001738665.3), dbSNP rs1288602933, ClinGen allele CA360268408.

ClinVar aggregate classification (germline): Uncertain significance (1 of 4 stars; one submission).

Conditions:
Hereditary cancer-predisposing syndrome. Also called: Hereditary Cancer Syndrome; Hereditary neoplastic syndrome; Neoplastic Syndromes, Hereditary; Tumor predisposition. Identifiers: Orphanet 140162, MedGen C0027672, MeSH D009386, MONDO:0015356.

Submission:

Ambry Genetics
Classification: Uncertain significance for Hereditary cancer-predisposing syndrome. Last evaluated: 2024-09-27. Review status: criteria provided, single submitter. Criteria: Ambry Variant Classification Scheme 2023. Collection method: clinical testing. Allele origin: germline.
Comment: The p.I390V variant (also known as c.1168A>G), located in coding exon 7 of the MSH3 gene, results from an A to G substitution at nucleotide position 1168. The isoleucine at codon 390 is replaced by valine, an amino acid with highly similar properties. This amino acid position is not well conserved in available vertebrate species. In addition, this alteration is predicted to be tolerated by in silico analysis. Based on the available evidence, the clinical significance of this variant remains unclear.